The following is an entry in ClinVar:

NM_022893.4(BCL11A):c.15G>A (p.Lys5=)

Gene: BCL11A (BCL11 transcription factor A; minus strand). Cytogenetic location: 2p16.1.
Variant type: single nucleotide variant.
Coding change: c.15G>A on transcript NM_022893.4 (MANE Select); coding-DNA position 15, G replaced by A.
Protein change: p.Lys5=; no amino-acid change (lysine 5 retained).
Molecular consequence: synonymous variant.
Genome position (GRCh38, 1-based): chr2:60,553,256, C>T on the plus strand (G>A on the coding strand, the complement: BCL11A is on the minus strand). VCF-style: chr2-60553256-C-T. GRCh37 (hg19) VCF-style: chr2-60780391-C-T.
Other names: c.15G>A, p.Lys5= (NM_001363864.1, NM_001365609.1, NM_018014.4 and 1 more transcripts).
Identifiers: ClinVar variation 1675112 (VCV001675112.1), dbSNP rs2104801368, ClinGen allele CA426309983.

ClinVar aggregate classification (germline): Uncertain significance (1 of 4 stars; one submission).

Conditions:
Dias-Logan syndrome. Also called: Intellectual developmental disorder with persistence of fetal hemoglobin; INTELLECTUAL DEVELOPMENTAL DISORDER WITH HEREDITARY PERSISTENCE OF FETAL HEMOGLOBIN. Identifiers: Orphanet 619233, MedGen C4310833, MONDO:0014914, OMIM 617101.

Allele frequency attached by ClinVar (database versions not stated): gnomAD exomes below 0.00001.
gnomAD v4.1: 2 of 1,590,464 alleles (0.00013%); highest among the groups gnomAD compares: Non-Finnish European, 0.00017%; no homozygotes.

Submission:

Center for Genomics, Ann and Robert H. Lurie Children's Hospital of Chicago
Classification: Uncertain significance for Dias-Logan syndrome. Last evaluated: 2021-06-01. Review status: criteria provided, single submitter. Criteria: ACMG Guidelines, 2015. Collection method: clinical testing. Allele origin: germline.
Comment: BCL11A NM_022893.3 exon 1 p.Lys= (c.15G>A): This variant has not been reported in the literature and is not present in large control databases. Evolutionary conservation and computational predictive tools for this variant are limited or unavailable. Of note, this variant is a silent variant and does not change the amino acid, reducing the probability that this variant is disease causing. In summary, data on this variant is insufficient for disease classification. Therefore, the clinical significance of this variant is uncertain.